The following is an entry in ClinVar:

ClinVar aggregate classification (germline): Pathogenic (1 of 4 stars; one submission).

Conditions:
PGM1-congenital disorder of glycosylation. Also called: CDG It; PGM1 DEFICIENCY; GLYCOGEN STORAGE DISEASE XIV; GSD XIV; PHOSPHOGLUCOMUTASE 1 DEFICIENCY; Congenital disorder of glycosylation type 1t. Identifiers: Orphanet 319646, MedGen C2752015, MONDO:0013968, OMIM 614921.

Submission:

Labcorp Genetics (formerly Invitae), Labcorp
Classification: Pathogenic for PGM1-congenital disorder of glycosylation. Last evaluated: 2021-09-21. Review status: criteria provided, single submitter. Criteria: Invitae Variant Classification Sherloc (09022015). Collection method: clinical testing. Allele origin: germline.
Comment: This variant is not present in population databases (ExAC no frequency). This variant has not been reported in the literature in individuals affected with PGM1-related conditions. For these reasons, this variant has been classified as Pathogenic. This sequence change creates a premature translational stop signal (p.Leu492Serfs*13) in the PGM1 gene. It is expected to result in an absent or disrupted protein product. Loss-of-function variants in PGM1 are known to be pathogenic (PMID: 22492991).

Literature cited by the submitters: PubMed 22492991.

NM_002633.3(PGM1):c.1474del (p.Leu492fs)

Gene: PGM1 (phosphoglucomutase 1; plus strand). Cytogenetic location: 1p31.3.
Variant type: Deletion.
Coding change: c.1474del on transcript NM_002633.3 (MANE Select); coding-DNA position 1474, one base deleted (C; older notation c.1474delC).
Protein change: p.Leu492fs; shifts the reading frame from leucine 492.
Molecular consequence: frameshift variant.
Genome position (GRCh38, 1-based): chr1:63,654,341, C deleted; the last of 2 consecutive C bases (chr1:63,654,340-63,654,341); deleting either gives the same sequence. VCF-style (leftmost placement, unchanged base first): chr1-63654339-GC-G. GRCh37 (hg19) VCF-style: chr1-64120010-GC-G.
Other names: c.1528del, p.Leu510fs (NM_001172818.1); c.883del, p.Leu295fs (NM_001172819.2); short protein forms L295fs, L492fs, L510fs.
Identifiers: ClinVar variation 1442891 (VCV001442891.6), dbSNP rs1376645472, ClinGen allele CA523569815.
Genomic context (GRCh38, chr1:63,654,339, plus strand): 5'-AGCCTTCAGTCTCCCAGCATTTGGGGAAAAAAATCTCTGCTTATCTTTTCCAGGGCTTGC[GC>G]CTCATTTTCACAGATGGTTCTCGAATCGTCTTCCGACTGAGCGGCACTGGGAGTGCCGGG-3'